The following is an entry in ClinVar:

NM_001370259.2(MEN1):c.1594G>T (p.Gly532Cys)

Gene: MEN1 (menin 1; minus strand). Cytogenetic location: 11q13.1.
Variant type: single nucleotide variant.
Coding change: c.1594G>T on transcript NM_001370259.2 (MANE Select); coding-DNA position 1594, G replaced by T.
Protein change: p.Gly532Cys; replaces glycine 532 with cysteine.
Molecular consequence: missense variant.
Genome position (GRCh38, 1-based): chr11:64,804,573, C>A on the plus strand (G>T on the coding strand, the complement: MEN1 is on the minus strand). VCF-style: chr11-64804573-C-A. GRCh37 (hg19) VCF-style: chr11-64572045-C-A.
Other names: c.1609G>T (NM_000244.3); c.1609G>T, p.Gly537Cys (NM_000244.4, NM_130800.3, NM_130801.3 and 3 more transcripts); c.1720G>T, p.Gly574Cys (NM_001370251.2); c.1594G>T, p.Gly532Cys (NM_001370260.2, NM_001370261.2, NM_130799.3); c.1489G>T, p.Gly497Cys (NM_001370262.2, NM_001370263.2); short protein forms G532C, G537C, G574C, G497C.
Identifiers: ClinVar variation 136167 (VCV000136167.26), dbSNP rs587780843, ClinGen allele CA009225.

ClinVar aggregate classification (germline): Conflicting classifications of pathogenicity. Review status: criteria provided, conflicting classifications (1 of 4 stars). 11 submissions from 11 submitters: Uncertain significance (8); Benign (1); Likely benign (2). Last evaluated 2026-08-06.

Conditions:
MEN1-related disorder. Also called: MEN1-related condition.
Hereditary cancer-predisposing syndrome. Also called: Neoplastic Syndromes, Hereditary; Tumor predisposition; Hereditary Cancer Syndrome; Hereditary neoplastic syndrome. Identifiers: Orphanet 140162, MedGen C0027672, MeSH D009386, MONDO:0015356.
Multiple endocrine neoplasia, type 1 (MEN1). Also called: MEN I; WERMER SYNDROME; Endocrine adenomatosis multiple; MEN 1; MEA I. Identifiers: Orphanet 652, MedGen C0025267, MeSH D018761, MONDO:0007540, OMIM 131100.

Allele frequency attached by ClinVar (database versions not stated): gnomAD exomes 0.00001; ExAC 0.00002; gnomAD 0.00003 and 0.00004; TOPMed 0.00003.
gnomAD v4.1: 19 of 1,612,964 alleles (0.0012%); highest among the groups gnomAD compares: Non-Finnish European, 0.0015%; no homozygotes.

Submissions (11):

OLLIN Analises Genomicas, OLLIN
Classification: Uncertain significance for Multiple endocrine neoplasia, type 1. Last evaluated: 2026-08-06. Review status: criteria provided, single submitter. Criteria: ACMG Guidelines 2015 PMID 25741868. Collection method: clinical testing. Allele origin: germline. Inheritance: Autosomal dominant inheritance.
Comment: This missense variant, located in exon 10 (of 10), has been reported in ClinVar (accession VCV003229071.1) and in gnomAD with an allele frequency of 0.0012%. However, to our knowledge, it has not been reported in the scientific literature. In silico analysis predicts that this variant has a deleterious effect. According to the currently available evidence, this variant has been classified as uncertain significance (PM2_P, PP3).

PreventionGenetics, part of Exact Sciences
Classification: Uncertain significance for MEN1-related condition. Last evaluated: 2026-07-17. Review status: criteria provided, single submitter. Criteria: ACMG Guidelines, 2015. Collection method: clinical testing. Allele origin: germline.
Comment: The MEN1 c.1609G>T variant is predicted to result in the amino acid substitution p.Gly537Cys. This variant has been reported in patients with features consistent with multiple endocrine neoplasia type 1 (Wautot et al. 2002. PMID: 12112656, referred to as p.Gly532Cys in Family 99). This variant was also reported in an individual with breast cancer (Table S4. Bhai et al. 2021. PubMed ID: 34326862, referred to as p.Gly532Cys in patient 2447). This variant is reported in 0.0026% of alleles in individuals of European (Non-Finnish) descent in gnomAD and is present in the ClinVar database with interpretations ranging from uncertain significance to benign (Variation ID: 136167). Although we suspect that this variant may be benign, at this time, the clinical significance of this variant is uncertain due to the absence of conclusive functional and genetic evidence.

St. Jude Molecular Pathology, St. Jude Children's Research Hospital
Classification: Uncertain significance for Multiple endocrine neoplasia, type 1. Last evaluated: 2026-02-11. Review status: criteria provided, single submitter. Criteria: St. Jude Assertion Criteria 2020. Collection method: clinical testing. Allele origin: germline.
Comment: The MEN1 c.1594G>T (p.Gly532Cys) missense change has a maximum population frequency of 0.003% in gnomAD v2.1.1. The in silico tool REVEL predicts a deleterious effect on protein function, but to our knowledge this prediction has not been confirmed by functional studies. This variant has been reported in a family with primary hyperparathyroidism and adrenal tumors (PMID: 12112656). In summary, the evidence currently available is insufficient to determine the clinical significance of this variant. It has therefore been classified as of uncertain significance.

Labcorp Genetics (formerly Invitae), Labcorp
Classification: Benign for Multiple endocrine neoplasia, type 1. Last evaluated: 2026-01-26. Review status: criteria provided, single submitter. Criteria: Invitae Variant Classification Sherloc (09022015). Collection method: clinical testing. Allele origin: germline.

Color Diagnostics, LLC DBA Color Health
Classification: Uncertain significance for Multiple endocrine neoplasia, type 1. Last evaluated: 2025-05-14. Review status: criteria provided, single submitter. Criteria: ACMG Guidelines, 2015. Collection method: clinical testing. Allele origin: germline.
Comment: This missense variant replaces glycine with cysteine at codon 532 of the MEN1 protein. Computational prediction is inconclusive regarding the impact of this variant on protein structure and function. To our knowledge, functional studies have not been reported for this variant. This variant has been detected in a family affected with primary hyperparathyroidism and adrenal tumors (PMID: 11836268, 12112656). This variant has been identified in 19/1612964 chromosomes in the general population by the Genome Aggregation Database (gnomAD v.4.1.0). Although there is a suspicion that this variant may not be associated with disease, additional studies are necessary to determine the role of this variant in disease conclusively. Therefore, this variant is classified as a Variant of Uncertain Significance.

All of Us Research Program, National Institutes of Health
Classification: Uncertain significance for Multiple endocrine neoplasia, type 1. Last evaluated: 2024-09-27. Review status: criteria provided, single submitter. Criteria: ACMG Guidelines, 2015. Collection method: clinical testing. Allele origin: germline. Inheritance: Autosomal dominant inheritance. Observed: 16 variant alleles, 16 heterozygotes.
Comment: This missense variant replaces glycine with cysteine at codon 532 of the MEN1 protein. Computational prediction is inconclusive regarding the impact of this variant on protein structure and function (internally defined REVEL score threshold 0.5 < inconclusive < 0.7, PMID: 27666373). To our knowledge, functional studies have not been reported for this variant. This variant has been detected in a family affected with primary hyperparathyroidism and adrenal tumors (PMID: 11836268, 12112656). This variant has been identified in 3/250106 chromosomes in the general population by the Genome Aggregation Database (gnomAD). The available evidence is insufficient to determine the role of this variant in disease conclusively. Therefore, this variant is classified as a Variant of Uncertain Significance.

This study involves interpretation of variants in research participants for the purpose of population health screening. Participant phenotype was not available at the time of variant classification. Additional details can be found in publication PMID: 35346344, PMCID: PMC8962531

Mendelics
Classification: Likely benign for Multiple endocrine neoplasia, type 1. Last evaluated: 2024-04-09. Review status: criteria provided, single submitter. Criteria: ACMG Guidelines, 2015. Collection method: clinical testing. Allele origin: unknown.

Baylor Genetics
Classification: Uncertain significance for Multiple Endocrine Neoplasia Type 1. Last evaluated: 2024-02-05. Review status: criteria provided, single submitter. Criteria: ACMG Guidelines, 2015. Collection method: clinical testing. Allele origin: unknown.

GeneDx
Classification: Uncertain significance. Last evaluated: 2023-12-10. Review status: criteria provided, single submitter. Criteria: GeneDx Variant Classification Process June 2021. Collection method: clinical testing. Allele origin: germline. Affected: yes.
Comment: Not observed at significant frequency in large population cohorts (gnomAD); In silico analysis supports that this missense variant does not alter protein structure/function; Observed in a single family with features of Multiple Endocrine Neoplasia type 1 (PMID: 12112656); This variant is associated with the following publications: (PMID: 15281352, 10612827, 30869828, 12112656, 11836268, 34326862)

Ambry Genetics
Classification: Likely benign for Hereditary cancer-predisposing syndrome. Last evaluated: 2022-05-04. Review status: criteria provided, single submitter. Criteria: Ambry Variant Classification Scheme 2023. Collection method: clinical testing. Allele origin: germline.

Sema4
Classification: Uncertain significance for Hereditary cancer-predisposing syndrome. Last evaluated: 2021-11-04. Review status: criteria provided, single submitter. Criteria: Sema4 Curation Guidelines. Collection method: curation. Allele origin: germline.
Comment: The MEN1 c.1594G>T (p.G532C) variant has been reported in heterozygosity in at least one individual with features of multiple endocrine neoplasia, type 1 (PMID: 11836268, 12112656). It was observed in 3/113216 chromosomes of the Non-Finnish European subpopulation in the Genome Aggregation Database (PMID: 32461654). The variant has been reported in ClinVar (Variation ID 136167). Functional studies have not been performed, and in silico predictions of the variant's effect on protein function are inconclusive. The evidence is insufficient to meet ACMG/AMP criteria for classifying the variant as benign or pathogenic. Thus, the clinical significance of this variant is currently uncertain.

Literature cited by the submitters: PubMed 11836268 (cited by 4 submitters); PubMed 12112656 (cited by 4 submitters).